The following is an entry in ClinVar:

NM_000038.6(APC):c.3631_3632del (p.Met1211fs)

Gene: APC (APC regulator of Wnt signaling pathway; plus strand). Cytogenetic location: 5q22.2.
Variant type: Microsatellite.
Coding change: c.3631_3632del on transcript NM_000038.6 (MANE Select); coding-DNA positions 3631 to 3632, 2 bases deleted (AT; older notation c.3631_3632delAT).
Protein change: p.Met1211fs; shifts the reading frame from methionine 1211.
Molecular consequence: frameshift variant.
Genome position (GRCh38, 1-based): chr5:112,839,225-112,839,226, AT deleted; deleting any 2 consecutive bases within chr5:112,839,223-112,839,226 gives the same sequence; the c. name uses the placement nearest the transcript's 3' end. VCF-style (leftmost placement, unchanged base first): chr5-112839222-CAT-C. GRCh37 (hg19) VCF-style: chr5-112174919-CAT-C.
Other names: c.3631_3632del, p.Met1211fs (NM_001127510.3, NM_001354895.2); c.3577_3578del, p.Met1193fs (NM_001127511.3); c.3685_3686del, p.Met1229fs (NM_001354896.2); c.3661_3662del, p.Met1221fs (NM_001354897.2); c.3556_3557del, p.Met1186fs (NM_001354898.2); c.3547_3548del, p.Met1183fs (NM_001354899.2); c.3508_3509del, p.Met1170fs (NM_001354900.2); c.3454_3455del, p.Met1152fs (NM_001354901.2); and 5 more; short protein forms M1170fs, M1183fs, M1229fs, M928fs, M1085fs, M1152fs, M1186fs, M1211fs.
Identifiers: ClinVar variation 469930 (VCV000469930.14), dbSNP rs1554085190, ClinGen allele CA645543584.

ClinVar aggregate classification (germline): Pathogenic. Review status: criteria provided, multiple submitters, no conflicts (2 of 4 stars). 4 submissions from 4 submitters: Pathogenic (4). Last evaluated 2025-11-18.

Conditions:
Hereditary cancer-predisposing syndrome. Also called: Hereditary neoplastic syndrome; Neoplastic Syndromes, Hereditary; Tumor predisposition; Hereditary Cancer Syndrome. Identifiers: Orphanet 140162, MedGen C0027672, MeSH D009386, MONDO:0015356.
Malignant tumor of unknown origin. Also called: Cancer of unknown primary site; Metastatic Malignant Neoplasm of Unknown Primary Origin. Identifiers: Orphanet 631251, MedGen C0027667, MONDO:0858997.
Familial adenomatous polyposis 1 (FAP1). Also called: POLYPOSIS, ADENOMATOUS INTESTINAL; FAMILIAL ADENOMATOUS POLYPOSIS 1, ATTENUATED. Identifiers: MedGen C2713442, MONDO:0021056, OMIM 175100. Disease mechanism: loss of function.

Submissions (4):

Petrovsky National Research Centre of Surgery, The Federal Agency for Scientific Organizations
Classification: Pathogenic for Malignant tumor of unknown origin. Last evaluated: 2025-11-18. Review status: criteria provided, single submitter. Criteria: ACMG Guidelines, 2015. Collection method: clinical testing. Allele origin: germline. Affected: yes. Observed: 1 variant allele.
Comment: This frameshift variant introduces a premature stop codon consistent with loss of function, a known disease mechanism for APC. The variant is absent from gnomAD v4.1.0. In accordance with ACMG (2015) criteria, this variant is classified as Pathogenic (Class V) with the following criteria applied: PVS1_strong, PM2, PS4.

Myriad Genetics, Inc.
Classification: Pathogenic for Familial adenomatous polyposis 1. Last evaluated: 2023-05-09. Review status: criteria provided, single submitter. Criteria: Myriad Autosomal Dominant, Autosomal Recessive and X-Linked Classification Criteria (2023). Collection method: clinical testing. Allele origin: unknown.
Comment: This variant is considered pathogenic. This variant creates a frameshift predicted to result in premature protein truncation.

Labcorp Genetics (formerly Invitae), Labcorp
Classification: Pathogenic for Familial adenomatous polyposis 1. Last evaluated: 2022-12-11. Review status: criteria provided, single submitter. Criteria: Invitae Variant Classification Sherloc (09022015). Collection method: clinical testing. Allele origin: germline.
Comment: This variant is not present in population databases (gnomAD no frequency). For these reasons, this variant has been classified as Pathogenic. A different truncation (p.Tyr2645Lysfs*14) that lies downstream of this variant has been determined to be pathogenic (PMID: 9824584, 1316610, 27081525, 8381579, 22135120, Invitae). This suggests that deletion of this region of the APC protein is causative of disease. This variant is expected to disrupt the EB1 and HDLG binding sites, which mediate interactions with the cytoskeleton (PMID: 15311282, 17293347). While functional studies have not been performed to directly test the effect on APC protein function, this suggests that disruption of the C-terminal portion of the protein is functionally important. ClinVar contains an entry for this variant (Variation ID: 469930). This variant has not been reported in the literature in individuals affected with APC-related conditions. This sequence change creates a premature translational stop signal (p.Met1211Valfs*5) in the APC gene. While this is not anticipated to result in nonsense mediated decay, it is expected to disrupt the last 1633 amino acid(s) of the APC protein.

Ambry Genetics
Classification: Pathogenic for Hereditary cancer-predisposing syndrome. Last evaluated: 2020-02-10. Review status: criteria provided, single submitter. Criteria: Ambry Variant Classification Scheme 2023. Collection method: clinical testing. Allele origin: germline.
Comment: The c.3631_3632delAT pathogenic mutation, located in coding exon 15 of the APC gene, results from a deletion of two nucleotides at nucleotide positions 3631 to 3632, causing a translational frameshift with a predicted alternate stop codon (p.M1211Vfs*5). In addition to the clinical data presented in the literature, this alteration is expected to result in loss of function by premature protein truncation or nonsense-mediated mRNA decay. As such, this alteration is interpreted as a disease-causing mutation.

Literature cited by the submitters: PubMed 9824584 (cited by Labcorp Genetics (formerly Invitae), Labcorp); PubMed 1316610 (cited by Labcorp Genetics (formerly Invitae), Labcorp); PubMed 27081525 (cited by Labcorp Genetics (formerly Invitae), Labcorp); PubMed 8381579 (cited by Labcorp Genetics (formerly Invitae), Labcorp); PubMed 22135120 (cited by Labcorp Genetics (formerly Invitae), Labcorp); PubMed 15311282 (cited by Labcorp Genetics (formerly Invitae), Labcorp); PubMed 17293347 (cited by Labcorp Genetics (formerly Invitae), Labcorp); PubMed 20513532 (cited by Ambry Genetics); PubMed 20685668 (cited by Ambry Genetics); PubMed 27158207 (cited by Ambry Genetics).